The following is an entry in ClinVar:

ClinVar aggregate classification (germline): Benign/Likely benign. Review status: criteria provided, multiple submitters, no conflicts (2 of 4 stars). 5 submissions from 5 submitters: Benign (2); Likely benign (3). Last evaluated 2026-09-01.

Conditions:
Inborn genetic diseases. Identifiers: MedGen C0950123, MeSH D030342.

Allele frequency attached by ClinVar (database versions not stated): 1000 Genomes Project 30x 0.00016; 1000 Genomes Project 0.00020; gnomAD exomes 0.00045 and 0.00074; ExAC 0.00075; gnomAD 0.00127 and 0.00141; ESP Exome Variant Server 0.00144; TOPMed 0.00155.
gnomAD v4.1: 862 of 1,583,374 alleles (0.054%); highest among the groups gnomAD compares: Middle Eastern, 0.75%; 4 homozygotes.

Submissions (5):

CeGaT Center for Human Genetics Tuebingen
Classification: Likely benign. Last evaluated: 2026-09-01. Review status: criteria provided, single submitter. Criteria: CeGaT Center For Human Genetics Tuebingen Variant Classification Criteria Version 2. Collection method: clinical testing. Allele origin: germline. Affected: yes. Observed: 2 variant alleles.
Comment: PIGB: BP4, BS1

Labcorp Genetics (formerly Invitae), Labcorp
Classification: Benign. Last evaluated: 2026-02-03. Review status: criteria provided, single submitter. Criteria: Invitae Variant Classification Sherloc (09022015). Collection method: clinical testing. Allele origin: germline.

Blueprint Genetics
Classification: Likely benign. Last evaluated: 2024-10-16. Review status: criteria provided, single submitter. Criteria: ACMG Guidelines, 2015. Collection method: clinical testing. Allele origin: germline.

Ambry Genetics
Classification: Likely benign for Inborn genetic diseases. Last evaluated: 2022-08-17. Review status: criteria provided, single submitter. Criteria: Ambry Variant Classification Scheme 2023. Collection method: clinical testing. Allele origin: germline.

Breakthrough Genomics
Classification: Benign. Review status: criteria provided, single submitter. Criteria: ACMG Guidelines, 2015. Collection method: not provided. Allele origin: germline. Inheritance: Autosomal recessive inheritance. Affected: yes.

NM_004855.5(PIGB):c.418-4G>A

Gene: PIGB (phosphatidylinositol glycan anchor biosynthesis class B; plus strand). Cytogenetic location: 15q21.3.
Variant type: single nucleotide variant.
Coding change: c.418-4G>A on transcript NM_004855.5 (MANE Select); 4 bases into the intron before coding-DNA position 418, G replaced by A.
Molecular consequence: intron variant.
Genome position (GRCh38, 1-based): chr15:55,327,527, G>A. VCF-style: chr15-55327527-G-A. GRCh37 (hg19) VCF-style: chr15-55619725-G-A.
Other names: c.418-4G>A (NM_004855.4).
Identifiers: ClinVar variation 1554728 (VCV001554728.41), dbSNP rs374989533, ClinGen allele CA7573845.